The following is an entry in ClinVar:

NM_004064.5(CDKN1B):c.258dup (p.Phe87fs)

Gene: CDKN1B (cyclin dependent kinase inhibitor 1B; plus strand). Cytogenetic location: 12p13.1.
Variant type: Duplication.
Coding change: c.258dup on transcript NM_004064.5 (MANE Select); coding-DNA position 258, one base duplicated (G; older notation c.258dupG).
Protein change: p.Phe87fs; shifts the reading frame from phenylalanine 87.
Molecular consequence: frameshift variant.
Genome position (GRCh38, 1-based): chr12:12,718,097, G duplicated. VCF-style (leftmost placement, unchanged base first): chr12-12718096-A-AG. GRCh37 (hg19) VCF-style: chr12-12871030-A-AG.
Other names: short protein forms F87fs.
Identifiers: ClinVar variation 4720420 (VCV004720420.1).
Genomic context (GRCh38, chr12:12,718,096, plus strand): 5'-ATCACAAACCCCTAGAGGGCAAGTACGAGTGGCAAGAGGTGGAGAAGGGCAGCTTGCCCG[A>AG]GTTCTACTACAGACCCCCGCGGCCCCCCAAAGGTGCCTGCAAGGTGCCGGCGCAGGAGAG-3'

ClinVar aggregate classification (germline): Pathogenic (1 of 4 stars; one submission).

Conditions:
Multiple endocrine neoplasia type 4. Also called: MULTIPLE ENDOCRINE NEOPLASIA, TYPE IV. Identifiers: Orphanet 276152, MedGen C1970712, MONDO:0012552, OMIM 610755.

Submission:

Labcorp Genetics (formerly Invitae), Labcorp
Classification: Pathogenic for Multiple endocrine neoplasia type 4. Last evaluated: 2025-05-28. Review status: criteria provided, single submitter. Criteria: Invitae Variant Classification Sherloc (09022015). Collection method: clinical testing. Allele origin: germline.
Comment: This sequence change creates a premature translational stop signal (p.Phe87Valfs*38) in the CDKN1B gene. It is expected to result in an absent or disrupted protein product. Loss-of-function variants in CDKN1B are known to be pathogenic (PMID: 17030811, 24819502). This variant is not present in population databases (gnomAD no frequency). This variant has not been reported in the literature in individuals affected with CDKN1B-related conditions. For these reasons, this variant has been classified as Pathogenic.

Literature cited by the submitters: PubMed 17030811; PubMed 24819502.